The following is an entry in ClinVar:

NM_000545.8(HNF1A):c.196_198dup (p.Glu66_Thr67insGlu)

Gene: HNF1A (HNF1 homeobox A; plus strand). Cytogenetic location: 12q24.31.
Variant type: Duplication.
Coding change: c.196_198dup on transcript NM_000545.8 (MANE Select); coding-DNA positions 196 to 198, 3 bases duplicated (GAG; older notation c.196_198dupGAG).
Protein change: p.Glu66_Thr67insGlu.
Molecular consequence: inframe insertion.
Genome position (GRCh38, 1-based): chr12:120,978,964-120,978,966, GAG duplicated; duplicating any 3 consecutive bases within chr12:120,978,963-120,978,966 gives the same sequence; the c. name uses the placement nearest the transcript's 3' end. VCF-style (leftmost placement, unchanged base first): chr12-120978962-G-GGGA. GRCh37 (hg19) VCF-style: chr12-121416765-G-GGGA.
Other names: NM_001306179.2:c.196_198dup; c.196_198dup, p.Glu66_Thr67insGlu (NM_001406915.1, NM_001306179.2).
Identifiers: ClinVar variation 3238978 (VCV003238978.3), dbSNP rs2499973729.

ClinVar aggregate classification (germline): Uncertain significance. Review status: reviewed by expert panel (3 of 4 stars). 2 submissions from 2 submitters: Uncertain significance (1). 1 of the submissions does not count toward it. Last evaluated 2024-06-09.

Conditions:
Monogenic diabetes. Identifiers: Orphanet 183625, MedGen C3888631, MONDO:0015967.

Submissions (2):

ClinGen Monogenic Diabetes Variant Curation Expert Panel
Classification: Uncertain significance for Monogenic diabetes. Last evaluated: 2024-06-09. Review status: reviewed by expert panel. Criteria: ClinGen Diabetes ACMG Specifications HNF1A V2.1.0. Collection method: curation. Allele origin: germline. Inheritance: Autosomal dominant inheritance.
Comment: The c.196_198 variant in the HNF1 homeobox A gene, HNF1A, is a 3 base pair insertion resulting in the in-frame addition of 1 amino acid at codon 66 (p.(Glu66dup)) within exon 1 of NM_000545.8. The c.196_198dup variant is predicted to change the length of the protein due to an in-frame insertion of a single amino acid in a nonrepeat region (PM4_Supporting). This variant is absent from gnomAD v2.1.1 (PM2_Supporting). In summary, c.196_198dup meets the criteria to be classified as a variant of uncertain significance for monogenic diabetes. ACMG/AMP criteria applied, as specified by the ClinGen MDEP (specification version 2.1.0 approved 8/11/2023): PM2_Supporting, PM4_Supporting.

Labcorp Genetics (formerly Invitae), Labcorp
Classification: Uncertain significance. Last evaluated: 2024-04-10. Review status: criteria provided, single submitter. Criteria: Invitae Variant Classification Sherloc (09022015). Collection method: clinical testing. Allele origin: germline. Not counted in ClinVar's aggregate classification.
Comment: This variant, c.196_198dup, results in the insertion of 1 amino acid(s) of the HNF1A protein (p.Glu66dup), but otherwise preserves the integrity of the reading frame. This variant is not present in population databases (gnomAD no frequency). This variant has not been reported in the literature in individuals affected with HNF1A-related conditions. In summary, the available evidence is currently insufficient to determine the role of this variant in disease. Therefore, it has been classified as a Variant of Uncertain Significance.